The following is an entry in ClinVar:

ClinVar aggregate classification (germline): Uncertain significance (1 of 4 stars; one submission).

Allele frequency attached by ClinVar (database versions not stated): gnomAD exomes below 0.00001; TOPMed 0.00001.
gnomAD v4.1: 1 of 1,614,188 alleles (0.000062%); highest among the groups gnomAD compares: Admixed American, 0.0017%; no homozygotes.

Submission:

Ambry Genetics
Classification: Uncertain significance. Last evaluated: 2023-02-24. Review status: criteria provided, single submitter. Criteria: Ambry Variant Classification Scheme 2023. Collection method: clinical testing. Allele origin: germline.
Comment: The p.F768V variant (also known as c.2302T>G), located in coding exon 4 of the ALPK2 gene, results from a T to G substitution at nucleotide position 2302. The phenylalanine at codon 768 is replaced by valine, an amino acid with highly similar properties. This amino acid position is conserved. In addition, this alteration is predicted to be tolerated by in silico analysis. Since supporting evidence is limited at this time, the clinical significance of this alteration remains unclear.

NM_052947.4(ALPK2):c.2302T>G (p.Phe768Val)

Gene: ALPK2 (alpha kinase 2; minus strand). Cytogenetic location: 18q21.31.
Variant type: single nucleotide variant.
Coding change: c.2302T>G on transcript NM_052947.4 (MANE Select); coding-DNA position 2302, T replaced by G.
Protein change: p.Phe768Val; replaces phenylalanine 768 with valine.
Molecular consequence: missense variant.
Genome position (GRCh38, 1-based): chr18:58,537,885, A>C on the plus strand (T>G on the coding strand, the complement: ALPK2 is on the minus strand). VCF-style: chr18-58537885-A-C. GRCh37 (hg19) VCF-style: chr18-56205117-A-C.
Other names: short protein forms F768V.
Identifiers: ClinVar variation 2497269 (VCV002497269.2), dbSNP rs1202984151, ClinGen allele CA402571055.